The following is an entry in ClinVar:

ClinVar aggregate classification (germline): Uncertain significance (1 of 4 stars; one submission).

gnomAD v4.1: 5 of 1,613,496 alleles (0.00031%); highest among the groups gnomAD compares: Admixed American, 0.0033%; no homozygotes.

Submission:

Labcorp Genetics (formerly Invitae), Labcorp
Classification: Uncertain significance. Last evaluated: 2025-11-10. Review status: criteria provided, single submitter. Criteria: Invitae Variant Classification Sherloc (09022015). Collection method: clinical testing. Allele origin: germline.
Comment: This sequence change replaces alanine, which is neutral and non-polar, with threonine, which is neutral and polar, at codon 605 of the POLR3B protein (p.Ala605Thr). The frequency data for this variant in the population databases is considered unreliable, as metrics indicate poor data quality at this position in the gnomAD database. This variant has not been reported in the literature in individuals affected with POLR3B-related conditions. Invitae Evidence Modeling of protein sequence and biophysical properties (such as structural, functional, and spatial information, amino acid conservation, physicochemical variation, residue mobility, and thermodynamic stability) indicates that this missense variant is not expected to disrupt POLR3B protein function with a negative predictive value of 80%. In summary, the available evidence is currently insufficient to determine the role of this variant in disease. Therefore, it has been classified as a Variant of Uncertain Significance.

NM_018082.6(POLR3B):c.1813G>A (p.Ala605Thr)

Gene: POLR3B (RNA polymerase III subunit B; plus strand). Cytogenetic location: 12q23.3.
Variant type: single nucleotide variant.
Coding change: c.1813G>A on transcript NM_018082.6 (MANE Select); coding-DNA position 1813, G replaced by A.
Protein change: p.Ala605Thr; replaces alanine 605 with threonine.
Molecular consequence: missense variant.
Genome position (GRCh38, 1-based): chr12:106,437,088, G>A. VCF-style: chr12-106437088-G-A. GRCh37 (hg19) VCF-style: chr12-106830866-G-A.
Other names: c.1639G>A, p.Ala547Thr (NM_001160708.2); short protein forms A605T, A547T.
Identifiers: ClinVar variation 4707543 (VCV004707543.1).
Genomic context (GRCh38, chr12:106,437,088, plus strand): 5'-ATTAATTTGGTTTGCTGTTTCCATTCTAGACCCTACATAATTGTCAAGAAACAGAAGCCA[G>A]CAGTCACAAATAAACATATGGAAGAGCTGGCCCAAGGGTACAGGTAAGTAGCCAAAAGTA-3'
Protein context (NP_060552.4, residues 595-615): PYIIVKKQKP[Ala605Thr]VTNKHMEELA